The following is an entry in ClinVar:

NM_033022.4(RPS24):c.3G>C (p.Met1Ile)

Genes: RPS24 (ribosomal protein S24; plus strand), LOC130004144 (ATAC-STARR-seq lymphoblastoid active region 3613; plus strand). Cytogenetic location: 10q22.3.
Variant type: single nucleotide variant.
Coding change: c.3G>C on transcript NM_033022.4 (MANE Select); coding-DNA position 3, G replaced by C.
Protein change: p.Met1Ile; changes the start codon (methionine 1).
Molecular consequence: missense variant, initiator codon variant.
Genome position (GRCh38, 1-based): chr10:78,033,904, G>C. VCF-style: chr10-78033904-G-C. GRCh37 (hg19) VCF-style: chr10-79793662-G-C.
Other names: c.3G>C, p.Met1Ile (NM_001026.5, NM_001142282.2, NM_001142283.2 and 2 more transcripts); short protein forms M1I.
Identifiers: ClinVar variation 4282505 (VCV004282505.1).

ClinVar aggregate classification (germline): Likely pathogenic (1 of 4 stars; one submission).

Conditions:
Diamond-Blackfan anemia 3 (DBA3). Also called: RPS24-Related Diamond-Blackfan Anemia. Identifiers: Orphanet 124, MedGen C1857719, MONDO:0012529, OMIM 610629.

Submission:

Precision Medical Center, Wuhan Children's Hospital
Classification: Likely pathogenic for Diamond-Blackfan anemia 3. Last evaluated: 2025-10-15. Review status: criteria provided, single submitter. Criteria: ACMG Guidelines, 2015. Collection method: clinical testing. Allele origin: germline. Inheritance: Autosomal dominant inheritance. Affected: yes. Observed: 1 heterozygote.
Comment: c.3G>C is an initiation codon mutation. Certain types of variants (e.g., nonsense, frameshift, canonical ±1 or 2 splice sites, initiation codon, single exon or multiexon deletion) can often be assumed to disrupt gene function by leading to a complete absence of the gene product by lack of transcription or nonsense-mediated decay of an altered transcript(PVS1); Variant is absent from a large general population or a control cohort (>1,000 individuals) and the population is race-matched to the patient harboring the identified variant, then this observation can be considered a moderate piece of evidence for pathogenicity (PM2). In summary, this variant meets criteria to be classified as likely pathogenic.

Literature cited by the submitters: PubMed 17186470.